The following is an entry in ClinVar:

ClinVar aggregate classification (germline): Pathogenic (1 of 4 stars; one submission).

Submission:

Labcorp Genetics (formerly Invitae), Labcorp
Classification: Pathogenic. Last evaluated: 2022-12-17. Review status: criteria provided, single submitter. Criteria: Invitae Variant Classification Sherloc (09022015). Collection method: clinical testing. Allele origin: germline.
Comment: This sequence change creates a premature translational stop signal (p.Gln464*) in the PCNT gene. It is expected to result in an absent or disrupted protein product. Loss-of-function variants in PCNT are known to be pathogenic (PMID: 18174396, 22821869). This variant is not present in population databases (gnomAD no frequency). This variant has not been reported in the literature in individuals affected with PCNT-related conditions. Algorithms developed to predict the effect of sequence changes on RNA splicing suggest that this variant may disrupt the consensus splice site. For these reasons, this variant has been classified as Pathogenic.

Literature cited by the submitters: PubMed 18174396; PubMed 22821869.

NM_006031.6(PCNT):c.1390C>T (p.Gln464Ter)

Gene: PCNT (pericentrin; plus strand). Cytogenetic location: 21q22.3.
Variant type: single nucleotide variant.
Coding change: c.1390C>T on transcript NM_006031.6 (MANE Select); coding-DNA position 1390, C replaced by T.
Protein change: p.Gln464Ter; replaces glutamine 464 with a stop codon.
Molecular consequence: nonsense.
Genome position (GRCh38, 1-based): chr21:46,351,474, C>T. VCF-style: chr21-46351474-C-T. GRCh37 (hg19) VCF-style: chr21-47771388-C-T.
Other names: c.1036C>T, p.Gln346Ter (NM_001315529.2); short protein forms Q346*, Q464*.
Identifiers: ClinVar variation 2821687 (VCV002821687.3), dbSNP rs1236066548, ClinGen allele CA410558166.